The following is an entry in ClinVar:

ClinVar aggregate classification (germline): Uncertain significance (1 of 4 stars; one submission).

Conditions:
PKHD1-related disorder. Also called: PKHD1-related condition.

gnomAD v4.1: 6 of 1,611,216 alleles (0.00037%); highest among the groups gnomAD compares: Middle Eastern, 0.033%; 1 homozygote.

Submission:

PreventionGenetics, part of Exact Sciences
Classification: Uncertain significance for PKHD1-related condition. Last evaluated: 2026-06-26. Review status: criteria provided, single submitter. Criteria: ACMG Guidelines, 2015. Collection method: clinical testing. Allele origin: germline.
Comment: The PKHD1 c.11483T>G variant is predicted to result in the amino acid substitution p.Ile3828Ser. To our knowledge, this variant has not been reported in the literature. This variant is reported in 0.00088% of alleles in individuals of European (Non-Finnish) descent in gnomAD. At this time, the clinical significance of this variant is uncertain due to the absence of conclusive functional and genetic evidence.

NM_138694.4(PKHD1):c.11483T>G (p.Ile3828Ser)

Gene: PKHD1 (PKHD1 ciliary IPT domain containing fibrocystin/polyductin; minus strand). Cytogenetic location: 6p12.3.
Variant type: single nucleotide variant.
Coding change: c.11483T>G on transcript NM_138694.4 (MANE Select); coding-DNA position 11483, T replaced by G.
Protein change: p.Ile3828Ser; replaces isoleucine 3828 with serine.
Molecular consequence: missense variant.
Genome position (GRCh38, 1-based): chr6:51,638,872, A>C on the plus strand (T>G on the coding strand, the complement: PKHD1 is on the minus strand). VCF-style: chr6-51638872-A-C. GRCh37 (hg19) VCF-style: chr6-51503670-A-C.
Other names: short protein forms I3828S.
Identifiers: ClinVar variation 4977642 (VCV004977642.1).